The following is an entry in ClinVar:

NM_001042517.2(DIAPH3):c.99C>A (p.Ser33Arg)

Gene: DIAPH3 (diaphanous related formin 3; minus strand). Cytogenetic location: 13q21.2.
Variant type: single nucleotide variant.
Coding change: c.99C>A on transcript NM_001042517.2 (MANE Select); coding-DNA position 99, C replaced by A.
Protein change: p.Ser33Arg; replaces serine 33 with arginine.
Molecular consequence: missense variant.
Genome position (GRCh38, 1-based): chr13:60,163,668, G>T on the plus strand (C>A on the coding strand, the complement: DIAPH3 is on the minus strand). VCF-style: chr13-60163668-G-T. GRCh37 (hg19) VCF-style: chr13-60737802-G-T.
Other names: c.99C>A, p.Ser33Arg (NM_001258366.2, NM_001258367.2, NM_001258368.2 and 1 more transcripts); short protein forms S33R.
Identifiers: ClinVar variation 4978434 (VCV004978434.1).

ClinVar aggregate classification (germline): Uncertain significance (1 of 4 stars; one submission).

Conditions:
DIAPH3-related disorder. Also called: DIAPH3-related condition.

gnomAD v4.1: 4 of 1,607,850 alleles (0.00025%); highest among the groups gnomAD compares: Non-Finnish European, 0.00026%; no homozygotes.

Submission:

PreventionGenetics, part of Exact Sciences
Classification: Uncertain significance for DIAPH3-related condition. Last evaluated: 2026-04-12. Review status: criteria provided, single submitter. Criteria: ACMG Guidelines, 2015. Collection method: clinical testing. Allele origin: germline.
Comment: The DIAPH3 c.99C>A variant is predicted to result in the amino acid substitution p.Ser33Arg. To our knowledge, this variant has not been reported in the literature. This variant is reported in 0.00092% of alleles in individuals of European (Non-Finnish) descent in gnomAD. At this time, the clinical significance of this variant is uncertain due to the absence of conclusive functional and genetic evidence.